The following is an entry in ClinVar:

ClinVar aggregate classification (germline): Uncertain significance (1 of 4 stars; one submission).

Conditions:
Dyskeratosis congenita, autosomal dominant 1 (DKCA1). Also called: Dyskeratosis congenita Scoggins type. Identifiers: Orphanet 1775, MedGen C4551974, MONDO:0007485, OMIM 127550. Inheritance: Variable.

Allele frequency attached by ClinVar (database versions not stated): gnomAD exomes 0.00001; TOPMed 0.00003; gnomAD 0.00006.
gnomAD v4.1: 6 of 761,258 alleles (0.00079%); highest among the groups gnomAD compares: Non-Finnish European, 0.0014%; no homozygotes.

Submission:

Labcorp Genetics (formerly Invitae), Labcorp
Classification: Uncertain significance for Dyskeratosis congenita, autosomal dominant 1. Last evaluated: 2025-05-28. Review status: criteria provided, single submitter. Criteria: Invitae Variant Classification Sherloc (09022015). Collection method: clinical testing. Allele origin: germline.
Comment: This variant occurs in the TERC gene, which encodes an RNA molecule that does not result in a protein product. This variant is present in population databases (no rsID available, gnomAD 0.003%). This variant has not been reported in the literature in individuals affected with TERC-related conditions. ClinVar contains an entry for this variant (Variation ID: 242270). This variant is located within the BoxH/ACA scaRNA domain of the TERC RNA component, which is required for telomerase activity (PMID: 21844345). In summary, the available evidence is currently insufficient to determine the role of this variant in disease. Therefore, it has been classified as a Variant of Uncertain Significance.

Literature cited by the submitters: PubMed 21844345.

NC_000003.12:g.169764701G>C

Genes: TERC (telomerase RNA component; minus strand), LOC110806306 (telomerase RNA component (TERC) promoter; plus strand). Cytogenetic location: 3q26.2.
Variant type: single nucleotide variant.
Genome position: GRCh38 VCF-style: chr3-169764701-G-C. GRCh37 (hg19) VCF-style: chr3-169482489-G-C.
Identifiers: ClinVar variation 242270 (VCV000242270.10), dbSNP rs777348518, ClinGen allele CA10582137.